The following is an entry in ClinVar:

ClinVar aggregate classification (germline): Uncertain significance (1 of 4 stars; one submission).

Conditions:
Epilepsy, familial focal, with variable foci 3 (FFEVF3). Identifiers: MedGen C4310708, MONDO:0014925, OMIM 617118.

Allele frequency attached by ClinVar (database versions not stated): TOPMed 0.00001.

Submission:

Labcorp Genetics (formerly Invitae), Labcorp
Classification: Uncertain significance for Epilepsy, familial focal, with variable foci 3. Last evaluated: 2024-06-26. Review status: criteria provided, single submitter. Criteria: Invitae Variant Classification Sherloc (09022015). Collection method: clinical testing. Allele origin: germline.
Comment: This sequence change replaces isoleucine, which is neutral and non-polar, with threonine, which is neutral and polar, at codon 561 of the NPRL3 protein (p.Ile561Thr). This variant is not present in population databases (gnomAD no frequency). This variant has not been reported in the literature in individuals affected with NPRL3-related conditions. ClinVar contains an entry for this variant (Variation ID: 851585). Experimental studies and prediction algorithms are not available or were not evaluated, and the functional significance of this variant is currently unknown. In summary, the available evidence is currently insufficient to determine the role of this variant in disease. Therefore, it has been classified as a Variant of Uncertain Significance.

NM_001077350.3(NPRL3):c.1682T>C (p.Ile561Thr)

Gene: NPRL3 (NPR3 like, GATOR1 complex subunit; minus strand). Cytogenetic location: 16p13.3.
Variant type: single nucleotide variant.
Coding change: c.1682T>C on transcript NM_001077350.3 (MANE Select); coding-DNA position 1682, T replaced by C.
Protein change: p.Ile561Thr; replaces isoleucine 561 with threonine.
Molecular consequence: missense variant.
Genome position (GRCh38, 1-based): chr16:86,733, A>G on the plus strand (T>C on the coding strand, the complement: NPRL3 is on the minus strand). VCF-style: chr16-86733-A-G. GRCh37 (hg19) VCF-style: chr16-136732-A-G.
Other names: c.1145T>C, p.Ile382Thr (NM_001039476.3); c.1448T>C, p.Ile483Thr (NM_001243247.2); c.1607T>C, p.Ile536Thr (NM_001243248.2, NM_001243249.2); short protein forms I536T, I561T, I382T, I483T.
Identifiers: ClinVar variation 851585 (VCV000851585.8), dbSNP rs1898488842, ClinGen allele CA394044082.